The following is an entry in ClinVar:

NM_000531.6(OTC):c.862A>T (p.Met288Leu)

Gene: OTC (ornithine transcarbamylase; plus strand). Cytogenetic location: Xp11.4.
Variant type: single nucleotide variant.
Coding change: c.862A>T on transcript NM_000531.6 (MANE Select); coding-DNA position 862, A replaced by T.
Protein change: p.Met288Leu; replaces methionine 288 with leucine.
Molecular consequence: missense variant.
Genome position (GRCh38, 1-based): chrX:38,409,020, A>T. VCF-style: chrX-38409020-A-T. GRCh37 (hg19) VCF-style: chrX-38268273-A-T.
Other names: c.862A>T, p.Met288Leu (NM_001407092.1); short protein forms M288L.
Identifiers: ClinVar variation 5016927 (VCV005016927.1).
Genomic context (GRCh38, chrX:38,409,020, plus strand): 5'-ATGGGACAAGAAGAGGAGAAGAAAAAGCGGCTCCAGGCTTTCCAAGGTTACCAGGTTACA[A>T]TGAAGGTACAAATTGATGCCTCTCTGAAGGTTCATTAATTCCATTCATGAAGGCCAGAAC-3'
Protein context (NP_000522.3, residues 278-298): LQAFQGYQVT[Met288Leu]KTAKVAASDW

ClinVar aggregate classification (germline): Uncertain significance (1 of 4 stars; one submission).

Submission:

GeneDx
Classification: Uncertain significance. Last evaluated: 2026-04-07. Review status: criteria provided, single submitter. Criteria: GeneDx Variant Classification Process June 2021. Collection method: clinical testing. Allele origin: germline.
Comment: Published functional studies support this variant retains residual OTC activity (PMID: 37146589); Not observed at significant frequency in large population cohorts (gnomAD); In silico analysis suggests that this missense variant does not alter protein structure/function; This variant is associated with the following publications: (PMID: 37146589)